The following is an entry in ClinVar:

NM_000455.5(STK11):c.407T>G (p.Met136Arg)

Gene: STK11 (serine/threonine kinase 11; plus strand). Cytogenetic location: 19p13.3.
Variant type: single nucleotide variant.
Coding change: c.407T>G on transcript NM_000455.5 (MANE Select); coding-DNA position 407, T replaced by G.
Protein change: p.Met136Arg; replaces methionine 136 with arginine.
Molecular consequence: missense variant. On other transcripts: non-coding transcript variant (1).
Genome position (GRCh38, 1-based): chr19:1,219,356, T>G. VCF-style: chr19-1219356-T-G. GRCh37 (hg19) VCF-style: chr19-1219355-T-G.
Other names: c.407T>G, p.Met136Arg (NM_001407255.1); short protein forms M136R.
Identifiers: ClinVar variation 3802393 (VCV003802393.2).

ClinVar aggregate classification (germline): Likely pathogenic. Review status: criteria provided, multiple submitters, no conflicts (2 of 4 stars). 2 submissions from 2 submitters: Likely pathogenic (2). Last evaluated 2025-03-06.

Conditions:
Hereditary cancer-predisposing syndrome. Also called: Neoplastic Syndromes, Hereditary; Hereditary Cancer Syndrome; Tumor predisposition; Hereditary neoplastic syndrome. Identifiers: Orphanet 140162, MedGen C0027672, MeSH D009386, MONDO:0015356.

Submissions (2):

GeneDx
Classification: Likely pathogenic. Last evaluated: 2025-03-06. Review status: criteria provided, single submitter. Criteria: GeneDx Variant Classification Process June 2021. Collection method: clinical testing. Allele origin: germline. Affected: yes.
Comment: Not observed at significant frequency in large population cohorts (gnomAD); In silico analysis supports that this missense variant has a deleterious effect on protein structure/function; In silico analysis is inconclusive as to whether the variant alters gene splicing. In the absence of RNA/functional studies, the actual effect of this sequence change is unknown.; This variant is associated with the following publications: (PMID: 15863673, 11389158)

Ambry Genetics
Classification: Likely pathogenic for Hereditary cancer-predisposing syndrome. Last evaluated: 2025-01-21. Review status: criteria provided, single submitter. Criteria: Ambry Variant Classification Scheme 2023. Collection method: clinical testing. Allele origin: germline.
Comment: The p.M136R variant (also known as c.407T>G), located in coding exon 3 of the STK11 gene, results from a T to G substitution at nucleotide position 407. The methionine at codon 136 is replaced by arginine, an amino acid with similar properties. This variant was reported in individual(s) with features consistent with Peutz-Jeghers syndrome (Olschwang S et al. J Med Genet, 2001 Jun;38:356-60; Ambry internal data). Other variant(s) at the same codon, p.M136T (c.407T>C), have been identified in individual(s) with features consistent with Peutz-Jeghers syndrome (External communication; Ambry internal data). This amino acid position is highly conserved in available vertebrate species. In addition, this alteration is predicted to be deleterious by in silico analysis. This variant is considered to be rare based on population cohorts in the Genome Aggregation Database (gnomAD). Based on the majority of available evidence to date, this variant is likely to be pathogenic.

Literature cited by the submitters: PubMed 11389158 (cited by Ambry Genetics).